The following is an entry in ClinVar:

NM_004415.4(DSP):c.8531G>T (p.Gly2844Val)

Gene: DSP (desmoplakin; plus strand). Cytogenetic location: 6p24.3.
Variant type: single nucleotide variant.
Coding change: c.8531G>T on transcript NM_004415.4 (MANE Select); coding-DNA position 8531, G replaced by T.
Protein change: p.Gly2844Val; replaces glycine 2844 with valine.
Molecular consequence: missense variant.
Genome position (GRCh38, 1-based): chr6:7,585,793, G>T. VCF-style: chr6-7585793-G-T. GRCh37 (hg19) VCF-style: chr6-7586026-G-T.
Other names: p.G2844V:GGG>GTG; c.6734G>T, p.Gly2245Val (NM_001008844.3); c.7202G>T, p.Gly2401Val (NM_001319034.2); c.8531G>T (LRG_423t1, NM_004415.3); short protein forms G2844V, G2245V, G2401V.
Identifiers: ClinVar variation 199912 (VCV000199912.21), dbSNP rs374137476, ClinGen allele CA007722.

ClinVar aggregate classification (germline): Uncertain significance. Review status: criteria provided, multiple submitters, no conflicts (2 of 4 stars). 9 submissions from 9 submitters: Uncertain significance (7). 2 of the submissions do not count toward it. Last evaluated 2025-12-16.

Conditions:
DSP-related disorder. Also called: DSP-related disorders; DSP-related condition.
Cardiovascular phenotype. Identifiers: MedGen CN230736.
Arrhythmogenic right ventricular dysplasia 8 (ARVD8). Also called: Arrhythmogenic Right Ventricular Dysplasia/Cardiomyopathy 8; ARRHYTHMOGENIC RIGHT VENTRICULAR DYSPLASIA, FAMILIAL, 8; ARRHYTHMOGENIC RIGHT VENTRICULAR CARDIOMYOPATHY 8. Identifiers: MedGen C1843896, MONDO:0011831, OMIM 607450.
Arrhythmogenic cardiomyopathy with wooly hair and keratoderma. Also called: Dilated cardiomyopathy with woolly hair and keratoderma; Arrhythmogenic cardiomyopathy with woolly hair and keratoderma; Carvajal syndrome; PALMOPLANTAR KERATODERMA WITH LEFT VENTRICULAR CARDIOMYOPATHY AND WOOLLY HAIR. Identifiers: Orphanet 65282, MedGen C1854063, MONDO:0011581, OMIM 605676.
Cardiomyopathy (CMYO). Also called: Cardiomyopathies. Identifiers: Orphanet 167848, MedGen C0878544, MONDO:0004994, HP:0001638. Inheritance: Various modes of inheritance.

Allele frequency attached by ClinVar (database versions not stated): TOPMed 0.00001; ESP Exome Variant Server 0.00008.
gnomAD v4.1: 12 of 1,607,344 alleles (0.00075%); highest among the groups gnomAD compares: Non-Finnish European, 0.001%; no homozygotes.

Submissions (9):

PreventionGenetics, part of Exact Sciences
Classification: Uncertain significance for DSP-related condition. Last evaluated: 2025-12-16. Review status: criteria provided, single submitter. Criteria: ACMG Guidelines, 2015. Collection method: clinical testing. Allele origin: germline.
Comment: The DSP c.8531G>T variant is predicted to result in the amino acid substitution p.Gly2844Val. This variant has been reported in one family with arrhythmogenic right ventricular dysplasia; however, this variant did not segregate with disease. Additionally, all affected family members available for genetic testing were found to carry a pathogenic TMEM43 variant which could explain the clinical features (Milting et al. 2015. PubMed ID: 24598986). This variant has also been reported in individuals with cardiac arrhythmia (Table S2, Perkins et al. 2018. PubMed ID: 29555771). This variant is reported in 0.00090% of alleles in individuals of European (Non-Finnish) descent in gnomAD. At this time, the clinical significance of this variant is uncertain due to the absence of conclusive functional and genetic evidence.

Ambry Genetics
Classification: Uncertain significance for Cardiovascular phenotype. Last evaluated: 2025-07-29. Review status: criteria provided, single submitter. Criteria: Ambry Variant Classification Scheme 2023. Collection method: clinical testing. Allele origin: germline.
Comment: The p.G2844V variant (also known as c.8531G>T), located in coding exon 24 of the DSP gene, results from a G to T substitution at nucleotide position 8531. The glycine at codon 2844 is replaced by valine, an amino acid with dissimilar properties. This variant was reported in an individual in a sudden infant death syndrome cohort (Neubauer J et al. Eur J Hum Genet, 2017 Apr;25:404-409). This amino acid position is highly conserved in available vertebrate species. In addition, this alteration is predicted to be deleterious by in silico analysis. Based on the available evidence, the clinical significance of this variant remains unclear.

Labcorp Genetics (formerly Invitae), Labcorp
Classification: Uncertain significance for Arrhythmogenic cardiomyopathy with wooly hair and keratoderma; Arrhythmogenic right ventricular dysplasia 8. Last evaluated: 2025-06-15. Review status: criteria provided, single submitter. Criteria: Invitae Variant Classification Sherloc (09022015). Collection method: clinical testing. Allele origin: germline.
Comment: This sequence change replaces glycine, which is neutral and non-polar, with valine, which is neutral and non-polar, at codon 2844 of the DSP protein (p.Gly2844Val). This variant is present in population databases (rs374137476, gnomAD 0.0009%). This missense change has been observed in individual(s) with arrhythmogenic right ventricular cardiomyopathy (PMID: 24598986). ClinVar contains an entry for this variant (Variation ID: 199912). An algorithm developed to predict the effect of missense changes on protein structure and function (PolyPhen-2) suggests that this variant is likely to be disruptive. In summary, the available evidence is currently insufficient to determine the role of this variant in disease. Therefore, it has been classified as a Variant of Uncertain Significance.

All of Us Research Program, National Institutes of Health
Classification: Uncertain significance for Arrhythmogenic cardiomyopathy with wooly hair and keratoderma. Last evaluated: 2024-06-11. Review status: criteria provided, single submitter. Criteria: ACMG Guidelines, 2015. Collection method: clinical testing. Allele origin: germline. Inheritance: Autosomal dominant inheritance. Observed: 6 variant alleles, 6 heterozygotes.
Comment: This missense variant replaces glycine with valine at codon 2844 of the DSP protein. Computational prediction is inconclusive regarding the impact of this variant on protein structure and function (internally defined REVEL score threshold 0.5 < inconclusive < 0.7, PMID: 27666373). To our knowledge, functional studies have not been performed for this variant. This variant has been reported in an individual affected with supraventricular tachycardia with a family history of heart disease and high cholesterol (PMID: 29555771). This variant has been shown not to segregate with arrhythmogenic right ventricular cardiomyopathy in a family where a well known pathogenic TMEM43 variant p.Ser358Leu was determined to be responsible for disease (PMID: 24598986). This variant has been identified in 1/243874 chromosomes in the general population by the Genome Aggregation Database (gnomAD). The available evidence is insufficient to determine the role of this variant in disease conclusively. Therefore, this variant is classified as a Variant of Uncertain Significance.

This study involves interpretation of variants in research participants for the purpose of population health screening. Participant phenotype was not available at the time of variant classification. Additional details can be found in publication PMID: 35346344, PMCID: PMC8962531

Color Diagnostics, LLC DBA Color Health
Classification: Uncertain significance for Cardiomyopathy. Last evaluated: 2024-04-23. Review status: criteria provided, single submitter. Criteria: ACMG Guidelines, 2015. Collection method: clinical testing. Allele origin: germline.
Comment: This missense variant replaces glycine with valine at codon 2844 of the DSP protein. Computational prediction is inconclusive regarding the impact of this variant on protein structure and function (internally defined REVEL score threshold 0.5 < inconclusive < 0.7, PMID: 27666373). To our knowledge, functional studies have not been performed for this variant. This variant has been reported in an individual affected with supraventricular tachycardia with a family history of heart disease and high cholesterol (PMID: 29555771). This variant has been shown not to segregate with arrhythmogenic right ventricular cardiomyopathy in a family where a well known pathogenic TMEM43 variant p.Ser358Leu was determined to be responsible for disease (PMID: 24598986). This variant has been identified in 1/243874 chromosomes in the general population by the Genome Aggregation Database (gnomAD). The available evidence is insufficient to determine the role of this variant in disease conclusively. Therefore, this variant is classified as a Variant of Uncertain Significance.

Blueprint Genetics
Classification: Uncertain significance. Last evaluated: 2021-08-30. Review status: criteria provided, single submitter. Criteria: ACMG Guidelines, 2015. Collection method: clinical testing. Allele origin: germline.

GeneDx
Classification: Uncertain significance. Last evaluated: 2018-09-13. Review status: criteria provided, single submitter. Criteria: GeneDx Variant Classification (06012015). Collection method: clinical testing. Allele origin: germline. Affected: yes.
Comment: A variant of uncertain significance has been identified in the DSP gene. The G2844V variant has been reported in one patient with ARVC, however the variant did not segregate in biopsy samples from two out of the three affected family members who died from sudden cardiac death and who were found to have ARVC on autopsy (Klauke et al., 2010). The G2844V variant is a conservative amino acid substitution, which is not likely to impact secondary protein structure as these residues share similar properties. Nevertheless, the G2844V variant is not observed at a significant frequency in large population cohorts (Lek et al., 2016). Finally, in-silico analyses, including protein predictors and evolutionary conservation, support a deleterious effect. Therefore, based on the currently available information, it is unclear whether this variant is pathogenic or rare benign.

Genome Diagnostics Laboratory, University Medical Center Utrecht
Classification: Uncertain significance. Review status: no assertion criteria provided. Collection method: clinical testing. Allele origin: germline. Affected: yes. Study: VKGL Data-share Consensus. Not counted in ClinVar's aggregate classification.

Joint Genome Diagnostic Labs from Nijmegen and Maastricht, Radboudumc and MUMC+
Classification: Uncertain significance. Review status: no assertion criteria provided. Collection method: clinical testing. Allele origin: germline. Affected: yes. Study: VKGL Data-share Consensus. Not counted in ClinVar's aggregate classification.

Literature cited by the submitters: PubMed 20829228 (cited by Ambry Genetics); PubMed 28074886 (cited by Ambry Genetics); PubMed 24598986 (cited by 3 submitters); PubMed 29555771 (cited by All of Us Research Program, National Institutes of Health and Color Diagnostics, LLC DBA Color Health).